The following is an entry in ClinVar:

ClinVar aggregate classification (germline): Uncertain significance. Review status: criteria provided, multiple submitters, no conflicts (2 of 4 stars). 2 submissions from 2 submitters: Uncertain significance (2). Last evaluated 2024-04-29.

Submissions (2):

Labcorp Genetics (formerly Invitae), Labcorp
Classification: Uncertain significance. Last evaluated: 2024-04-29. Review status: criteria provided, single submitter. Criteria: Invitae Variant Classification Sherloc (09022015). Collection method: clinical testing. Allele origin: germline.
Comment: This sequence change replaces tryptophan, which is neutral and slightly polar, with arginine, which is basic and polar, at codon 1663 of the COL11A1 protein (p.Trp1663Arg). This variant is not present in population databases (gnomAD no frequency). This variant has not been reported in the literature in individuals affected with COL11A1-related conditions. Advanced modeling of protein sequence and biophysical properties (such as structural, functional, and spatial information, amino acid conservation, physicochemical variation, residue mobility, and thermodynamic stability) has been performed at Invitae for this missense variant, however the output from this modeling did not meet the statistical confidence thresholds required to predict the impact of this variant on COL11A1 protein function. In summary, the available evidence is currently insufficient to determine the role of this variant in disease. Therefore, it has been classified as a Variant of Uncertain Significance.

Blueprint Genetics
Classification: Uncertain significance. Last evaluated: 2024-02-29. Review status: criteria provided, single submitter. Criteria: ACMG Guidelines, 2015. Collection method: clinical testing. Allele origin: germline.

NM_001854.4(COL11A1):c.4987T>C (p.Trp1663Arg)

Gene: COL11A1 (collagen type XI alpha 1 chain; minus strand). Cytogenetic location: 1p21.1.
Variant type: single nucleotide variant.
Coding change: c.4987T>C on transcript NM_001854.4 (MANE Select); coding-DNA position 4987, T replaced by C.
Protein change: p.Trp1663Arg; replaces tryptophan 1663 with arginine.
Molecular consequence: missense variant. On other transcripts: non-coding transcript variant (1).
Genome position (GRCh38, 1-based): chr1:102,881,750, A>G on the plus strand (T>C on the coding strand, the complement: COL11A1 is on the minus strand). VCF-style: chr1-102881750-A-G. GRCh37 (hg19) VCF-style: chr1-103347306-A-G.
Other names: c.4870T>C, p.Trp1624Arg (NM_001190709.2); c.5023T>C, p.Trp1675Arg (NM_080629.3); c.4639T>C, p.Trp1547Arg (NM_080630.4); short protein forms W1624R, W1547R, W1663R, W1675R.
Identifiers: ClinVar variation 3686809 (VCV003686809.3).